The following is an entry in ClinVar:

NM_024642.5(GALNT12):c.212C>G (p.Pro71Arg)

Gene: GALNT12 (polypeptide N-acetylgalactosaminyltransferase 12; plus strand). Cytogenetic location: 9q22.33.
Variant type: single nucleotide variant.
Coding change: c.212C>G on transcript NM_024642.5 (MANE Select); coding-DNA position 212, C replaced by G.
Protein change: p.Pro71Arg; replaces proline 71 with arginine.
Molecular consequence: missense variant.
Genome position (GRCh38, 1-based): chr9:98,807,910, C>G. VCF-style: chr9-98807910-C-G. GRCh37 (hg19) VCF-style: chr9-101570192-C-G.
Other names: short protein forms P71R.
Identifiers: ClinVar variation 3227939 (VCV003227939.1), dbSNP rs781089454, ClinGen allele CA374222534.

ClinVar aggregate classification (germline): Uncertain significance (1 of 4 stars; one submission).

gnomAD v4.1: 1 of 1,206,158 alleles (0.000083%); highest among the groups gnomAD compares: Non-Finnish European, 0.0001%; no homozygotes.

Submission:

Ambry Genetics
Classification: Uncertain significance. Last evaluated: 2023-12-22. Review status: criteria provided, single submitter. Criteria: Ambry Variant Classification Scheme 2023. Collection method: clinical testing. Allele origin: germline.
Comment: The p.P71R variant (also known as c.212C>G), located in coding exon 1 of the GALNT12 gene, results from a C to G substitution at nucleotide position 212. The proline at codon 71 is replaced by arginine, an amino acid with dissimilar properties. This amino acid position is conserved. In addition, this alteration is predicted to be tolerated by in silico analysis. Since supporting evidence is limited at this time, the clinical significance of this alteration remains unclear.